The following is an entry in ClinVar:

NM_002972.4(SBF1):c.2415C>T (p.Ala805=)

Gene: SBF1 (SET binding factor 1; minus strand). Cytogenetic location: 22q13.33.
Variant type: single nucleotide variant.
Coding change: c.2415C>T on transcript NM_002972.4 (MANE Select); coding-DNA position 2415, C replaced by T.
Protein change: p.Ala805=; no amino-acid change (alanine 805 retained).
Molecular consequence: synonymous variant.
Genome position (GRCh38, 1-based): chr22:50,462,101, G>A on the plus strand (C>T on the coding strand, the complement: SBF1 is on the minus strand). VCF-style: chr22-50462101-G-A. GRCh37 (hg19) VCF-style: chr22-50900530-G-A.
Other names: c.2418C>T, p.Ala806= (NM_001365819.1).
Identifiers: ClinVar variation 724700 (VCV000724700.13), dbSNP rs369244386, ClinGen allele CA10317210.

ClinVar aggregate classification (germline): Likely benign. Review status: criteria provided, multiple submitters, no conflicts (2 of 4 stars). 3 submissions from 3 submitters: Likely benign (3). Last evaluated 2026-04-01.

Allele frequency attached by ClinVar (database versions not stated): TOPMed 0.00031; ESP Exome Variant Server 0.00040; 1000 Genomes Project 0.00020; 1000 Genomes Project 30x 0.00031.
gnomAD v4.1: 830 of 1,613,692 alleles (0.051%); highest among the groups gnomAD compares: Non-Finnish European, 0.063%; 1 homozygote.

Submissions (3):

CeGaT Center for Human Genetics Tuebingen
Classification: Likely benign. Last evaluated: 2026-04-01. Review status: criteria provided, single submitter. Criteria: CeGaT Center For Human Genetics Tuebingen Variant Classification Criteria Version 2. Collection method: clinical testing. Allele origin: germline. Affected: yes. Observed: 1 variant allele.
Comment: SBF1: BP4, BP7

Labcorp Genetics (formerly Invitae), Labcorp
Classification: Likely benign. Last evaluated: 2026-01-14. Review status: criteria provided, single submitter. Criteria: Invitae Variant Classification Sherloc (09022015). Collection method: clinical testing. Allele origin: germline.

GeneDx
Classification: Likely benign. Last evaluated: 2021-02-16. Review status: criteria provided, single submitter. Criteria: GeneDx Variant Classification Process June 2021. Collection method: clinical testing. Allele origin: germline. Affected: yes.